The following is an entry in ClinVar:

NM_000051.4(ATM):c.8457C>G (p.Val2819=)

Genes: ATM (ATM serine/threonine kinase; plus strand), C11orf65 (chromosome 11 open reading frame 65; minus strand). Cytogenetic location: 11q22.3.
Variant type: single nucleotide variant.
Coding change: c.8457C>G on transcript NM_000051.4 (MANE Select); coding-DNA position 8457, C replaced by G.
Protein change: p.Val2819=; no amino-acid change (valine 2819 retained).
Molecular consequence: synonymous variant. On other transcripts: intron variant (2).
Genome position (GRCh38, 1-based): chr11:108,345,781, C>G. VCF-style: chr11-108345781-C-G. GRCh37 (hg19) VCF-style: chr11-108216508-C-G.
Other names: c.8457C>G, p.Val2819= (NM_001351834.2); c.641-36710G>C (NM_001330368.2); c.695-10489G>C (NM_001351110.2).
Identifiers: ClinVar variation 1131214 (VCV001131214.10), dbSNP rs2137027225, ClinGen allele CA476673074.

ClinVar aggregate classification (germline): Benign/Likely benign. Review status: criteria provided, multiple submitters, no conflicts (2 of 4 stars). 2 submissions from 2 submitters: Benign (1); Likely benign (1). Last evaluated 2024-06-20.

Conditions:
Familial cancer of breast. Also called: Hereditary breast cancer; hereditary breast carcinoma; BREAST CANCER, FAMILIAL. Identifiers: Orphanet 227535, MedGen C0346153, MONDO:0016419, OMIM 114480. Disease mechanism: loss of function.
Ataxia-telangiectasia syndrome (AT). Also called: Ataxia telangiectasia (A-T); ATAXIA-TELANGIECTASIA, COMPLEMENTATION GROUP A; ATAXIA-TELANGIECTASIA, FRESNO VARIANT; Ataxia-telangiectasia; Ataxia-telangiectasia, complementation group E; LOUIS-BAR SYNDROME. Identifiers: Orphanet 100, MedGen C0004135, MONDO:0008840, OMIM 208900.

Submissions (2):

Myriad Genetics, Inc.
Classification: Benign for Familial cancer of breast. Last evaluated: 2024-06-20. Review status: criteria provided, single submitter. Criteria: Myriad Autosomal Dominant, Autosomal Recessive and X-Linked Classification Criteria (2023). Collection method: clinical testing. Allele origin: unknown.
Comment: This variant is considered benign. This variant is a silent/synonymous amino acid change and it is not expected to impact splicing.

Labcorp Genetics (formerly Invitae), Labcorp
Classification: Likely benign for Ataxia-telangiectasia syndrome. Last evaluated: 2019-04-24. Review status: criteria provided, single submitter. Criteria: Invitae Variant Classification Sherloc (09022015). Collection method: clinical testing. Allele origin: germline.